The following is an entry in ClinVar:

ClinVar aggregate classification (germline): Uncertain significance (1 of 4 stars; one submission).

Submission:

Labcorp Genetics (formerly Invitae), Labcorp
Classification: Uncertain significance. Last evaluated: 2024-06-23. Review status: criteria provided, single submitter. Criteria: Invitae Variant Classification Sherloc (09022015). Collection method: clinical testing. Allele origin: germline.
Comment: This sequence change replaces glutamine, which is neutral and polar, with histidine, which is basic and polar, at codon 4 of the KIF11 protein (p.Gln4His). This variant is not present in population databases (gnomAD no frequency). This variant has not been reported in the literature in individuals affected with KIF11-related conditions. An algorithm developed to predict the effect of missense changes on protein structure and function (PolyPhen-2) suggests that this variant is likely to be disruptive. In summary, the available evidence is currently insufficient to determine the role of this variant in disease. Therefore, it has been classified as a Variant of Uncertain Significance.

NM_004523.4(KIF11):c.12G>T (p.Gln4His)

Gene: KIF11 (kinesin family member 11; plus strand). Cytogenetic location: 10q23.33.
Variant type: single nucleotide variant.
Coding change: c.12G>T on transcript NM_004523.4 (MANE Select); coding-DNA position 12, G replaced by T.
Protein change: p.Gln4His; replaces glutamine 4 with histidine.
Molecular consequence: missense variant.
Genome position (GRCh38, 1-based): chr10:92,593,387, G>T. VCF-style: chr10-92593387-G-T. GRCh37 (hg19) VCF-style: chr10-94353144-G-T.
Other names: short protein forms Q4H.
Identifiers: ClinVar variation 3685972 (VCV003685972.2).
Genomic context (GRCh38, chr10:92,593,387, plus strand): 5'-ACAGCGCCCAGGTCCGCGGCCGGGCCTTGATTTTTTGGCGGGGACCGTCATGGCGTCGCA[G>T]CCAAATTCGTCTGCGAAGAAGAAAGAGGAGAAGGGGAAGAACATCCAGGTGGTGGTGAGA-3'
Protein context (NP_004514.2, residues 1-14): MAS[Gln4His]PNSSAKKKEE